The following is an entry in ClinVar:

ClinVar aggregate classification (germline): Uncertain significance. Review status: criteria provided, multiple submitters, no conflicts (2 of 4 stars). 2 submissions from 2 submitters: Uncertain significance (2). Last evaluated 2021-10-27.

Conditions:
Inborn genetic diseases. Identifiers: MedGen C0950123, MeSH D030342.
Charcot-Marie-Tooth disease type 4. Also called: Charcot-Marie-Tooth, Type 4; Charcot-Marie-Tooth disease, type IV. Identifiers: Orphanet 64749, MedGen C4082197, MONDO:0018995.

Submissions (2):

Ambry Genetics
Classification: Uncertain significance for Inborn genetic diseases. Last evaluated: 2021-10-27. Review status: criteria provided, single submitter. Criteria: Ambry Variant Classification Scheme 2023. Collection method: clinical testing. Allele origin: germline.

Labcorp Genetics (formerly Invitae), Labcorp
Classification: Uncertain significance for Charcot-Marie-Tooth disease type 4. Last evaluated: 2021-09-24. Review status: criteria provided, single submitter. Criteria: Invitae Variant Classification Sherloc (09022015). Collection method: clinical testing. Allele origin: germline.
Comment: This sequence change replaces leucine with valine at codon 192 of the SBF2 protein (p.Leu192Val). The leucine residue is moderately conserved and there is a small physicochemical difference between leucine and valine. This variant is not present in population databases (ExAC no frequency). This variant has not been reported in the literature in individuals with SBF2-related conditions. Algorithms developed to predict the effect of missense changes on protein structure and function are either unavailable or do not agree on the potential impact of this missense change (SIFT: "Tolerated"; PolyPhen-2: "Possibly Damaging"; Align-GVGD: "Class C0"). In summary, the available evidence is currently insufficient to determine the role of this variant in disease. Therefore, it has been classified as a Variant of Uncertain Significance.

NM_030962.4(SBF2):c.574C>G (p.Leu192Val)

Gene: SBF2 (SET binding factor 2; minus strand). Cytogenetic location: 11p15.4.
Variant type: single nucleotide variant.
Coding change: c.574C>G on transcript NM_030962.4 (MANE Select); coding-DNA position 574, C replaced by G.
Protein change: p.Leu192Val; replaces leucine 192 with valine.
Molecular consequence: missense variant.
Genome position (GRCh38, 1-based): chr11:10,028,497, G>C on the plus strand (C>G on the coding strand, the complement: SBF2 is on the minus strand). VCF-style: chr11-10028497-G-C. GRCh37 (hg19) VCF-style: chr11-10050044-G-C.
Other names: c.574C>G, p.Leu192Val (NM_001386339.1, NM_001386342.1); c.574C>G (NM_030962.3); short protein forms L192V.
Identifiers: ClinVar variation 1523021 (VCV001523021.6), dbSNP rs1949129969, ClinGen allele CA379645969.